The following is an entry in ClinVar:

ClinVar aggregate classification (germline): Uncertain significance (1 of 4 stars; one submission).

Submission:

Labcorp Genetics (formerly Invitae), Labcorp
Classification: Uncertain significance. Last evaluated: 2025-12-01. Review status: criteria provided, single submitter. Criteria: Invitae Variant Classification Sherloc (09022015). Collection method: clinical testing. Allele origin: germline.
Comment: This sequence change replaces aspartic acid, which is acidic and polar, with asparagine, which is neutral and polar, at codon 205 of the SOX3 protein (p.Asp205Asn). This variant is not present in population databases (gnomAD no frequency). This variant has not been reported in the literature in individuals affected with SOX3-related conditions. Invitae Evidence Modeling of protein sequence and biophysical properties (such as structural, functional, and spatial information, amino acid conservation, physicochemical variation, residue mobility, and thermodynamic stability) indicates that this missense variant is not expected to disrupt SOX3 protein function with a negative predictive value of 80%. In summary, the available evidence is currently insufficient to determine the role of this variant in disease. Therefore, it has been classified as a Variant of Uncertain Significance.

NM_005634.3(SOX3):c.613G>A (p.Asp205Asn)

Gene: SOX3 (SRY-box transcription factor 3; minus strand). Cytogenetic location: Xq27.1.
Variant type: single nucleotide variant.
Coding change: c.613G>A on transcript NM_005634.3 (MANE Select); coding-DNA position 613, G replaced by A.
Protein change: p.Asp205Asn; replaces aspartic acid 205 with asparagine.
Molecular consequence: missense variant.
Genome position (GRCh38, 1-based): chrX:140,504,448, C>T on the plus strand (G>A on the coding strand, the complement: SOX3 is on the minus strand). VCF-style: chrX-140504448-C-T. GRCh37 (hg19) VCF-style: chrX-139586613-C-T.
Other names: short protein forms D205N.
Identifiers: ClinVar variation 4695845 (VCV004695845.1).
Genomic context (GRCh38, chrX:140,504,448, plus strand): 5'-GGGAGTACTTATCTTTCTTGAGCAGCGTCTTGGTCTTGCGGCGCGGTCGGTACTTGTAGT[C>T]CGGATACTCCTTCATGTGCACGGCGCGAAGTCGCTTGGCCTCGTCGATGAATGGTCGCTT-3'
Protein context (NP_005625.2, residues 195-215): LRAVHMKEYP[Asp205Asn]YKYRPRRKTK